The following is an entry in ClinVar:

NM_015295.3(SMCHD1):c.3881C>T (p.Pro1294Leu)

Gene: SMCHD1 (structural maintenance of chromosomes flexible hinge domain containing 1; plus strand). Cytogenetic location: 18p11.32.
Variant type: single nucleotide variant.
Coding change: c.3881C>T on transcript NM_015295.3 (MANE Select); coding-DNA position 3881, C replaced by T.
Protein change: p.Pro1294Leu; replaces proline 1294 with leucine.
Molecular consequence: missense variant.
Genome position (GRCh38, 1-based): chr18:2,747,601, C>T. VCF-style: chr18-2747601-C-T. GRCh37 (hg19) VCF-style: chr18-2747599-C-T.
Other names: short protein forms P1294L.
Identifiers: ClinVar variation 1021864 (VCV001021864.6), dbSNP rs759140838, ClinGen allele CA8871329.
Genomic context (GRCh38, chr18:2,747,601, plus strand): 5'-GAAGAGATTTACAGAACCCTATTATTGTTCAACTTTGTGATCAGTGGGATAATCCAGCAC[C>T]GGTACAACATGTTAAAATAAGTCTTACAAAAGCTAGCAATTTAAAGGTAAGTTTTAAACT-3'
Protein context (NP_056110.2, residues 1284-1304): QLCDQWDNPA[Pro1294Leu]VQHVKISLTK

ClinVar aggregate classification (germline): Uncertain significance (1 of 4 stars; one submission).

Conditions:
Facioscapulohumeral muscular dystrophy 2 (FSHD2). Also called: MUSCULAR DYSTROPHY, FACIOSCAPULOHUMERAL, TYPE 1B; FACIOSCAPULOHUMERAL MUSCULAR DYSTROPHY 2, DIGENIC; FSHD2, DIGENIC. Identifiers: Orphanet 269, MedGen C1834671, MONDO:0008031, OMIM 158901.

Allele frequency attached by ClinVar (database versions not stated): gnomAD exomes 0.00001 and 0.00002; ExAC 0.00003; TOPMed 0.00004.
gnomAD v4.1: 10 of 1,608,576 alleles (0.00062%); highest among the groups gnomAD compares: South Asian, 0.0022%; no homozygotes.

Submission:

Labcorp Genetics (formerly Invitae), Labcorp
Classification: Uncertain significance for Facioscapulohumeral muscular dystrophy 2. Last evaluated: 2026-01-20. Review status: criteria provided, single submitter. Criteria: Invitae Variant Classification Sherloc (09022015). Collection method: clinical testing. Allele origin: germline.
Comment: This sequence change replaces proline, which is neutral and non-polar, with leucine, which is neutral and non-polar, at codon 1294 of the SMCHD1 protein (p.Pro1294Leu). This variant is present in population databases (rs759140838, gnomAD 0.003%). This variant has not been reported in the literature in individuals affected with SMCHD1-related conditions. ClinVar contains an entry for this variant (Variation ID: 1021864). Invitae Evidence Modeling of protein sequence and biophysical properties (such as structural, functional, and spatial information, amino acid conservation, physicochemical variation, residue mobility, and thermodynamic stability) indicates that this missense variant is not expected to disrupt SMCHD1 protein function with a negative predictive value of 80%. In summary, the available evidence is currently insufficient to determine the role of this variant in disease. Therefore, it has been classified as a Variant of Uncertain Significance.